The following is an entry in ClinVar:

NM_001287.6(CLCN7):c.1548G>A (p.Pro516=)

Gene: CLCN7 (Cl-/H+ antiporter 7; minus strand). Cytogenetic location: 16p13.3.
Variant type: single nucleotide variant.
Coding change: c.1548G>A on transcript NM_001287.6 (MANE Select); coding-DNA position 1548, G replaced by A.
Protein change: p.Pro516=; no amino-acid change (proline 516 retained).
Molecular consequence: synonymous variant.
Genome position (GRCh38, 1-based): chr16:1,450,566, C>T on the plus strand (G>A on the coding strand, the complement: CLCN7 is on the minus strand). VCF-style: chr16-1450566-C-T. GRCh37 (hg19) VCF-style: chr16-1500567-C-T.
Other names: c.1476G>A, p.Pro492= (NM_001114331.3).
Identifiers: ClinVar variation 1615391 (VCV001615391.15), dbSNP rs780794583, ClinGen allele CA7810184.
Genomic context (GRCh38, chr16:1,450,566, plus strand): 5'-CGTGAGGTAGGACAGGGAGATCCCAAAGAGCCGGCCCCAGGCAGCCCCGATGAGCAGGGA[C>T]GGGATGAAGACCCCGGCAGACACCGTGAGCCCGTAGGTCCAGCAGGCCAGGAAGAAGTAG-3'
Protein context (NP_001278.1, residues 506-526): GLTVSAGVFI[Pro516=]SLLIGAAWGR

ClinVar aggregate classification (germline): Likely benign. Review status: criteria provided, multiple submitters, no conflicts (2 of 4 stars). 3 submissions from 3 submitters: Likely benign (3). Last evaluated 2026-04-01.

Allele frequency attached by ClinVar (database versions not stated): ExAC 0.00006; gnomAD exomes 0.00011.
gnomAD v4.1: 129 of 1,611,990 alleles (0.008%); highest among the groups gnomAD compares: Admixed American, 0.062%; no homozygotes.

Submissions (3):

CeGaT Center for Human Genetics Tuebingen
Classification: Likely benign. Last evaluated: 2026-04-01. Review status: criteria provided, single submitter. Criteria: CeGaT Center For Human Genetics Tuebingen Variant Classification Criteria Version 2. Collection method: clinical testing. Allele origin: germline. Affected: yes. Observed: 2 variant alleles.
Comment: CLCN7: BP4, BP7

Labcorp Genetics (formerly Invitae), Labcorp
Classification: Likely benign. Last evaluated: 2025-09-26. Review status: criteria provided, single submitter. Criteria: Invitae Variant Classification Sherloc (09022015). Collection method: clinical testing. Allele origin: germline.

Blueprint Genetics
Classification: Likely benign. Last evaluated: 2024-05-17. Review status: criteria provided, single submitter. Criteria: ACMG Guidelines, 2015. Collection method: clinical testing. Allele origin: germline.